The following is an entry in ClinVar:

NM_001173467.3(SP7):c.848C>T (p.Ala283Val)

Gene: SP7 (Sp7 transcription factor; minus strand). Cytogenetic location: 12q13.13.
Variant type: single nucleotide variant.
Coding change: c.848C>T on transcript NM_001173467.3 (MANE Select); coding-DNA position 848, C replaced by T.
Protein change: p.Ala283Val; replaces alanine 283 with valine.
Molecular consequence: missense variant.
Genome position (GRCh38, 1-based): chr12:53,328,594, G>A on the plus strand (C>T on the coding strand, the complement: SP7 is on the minus strand). VCF-style: chr12-53328594-G-A. GRCh37 (hg19) VCF-style: chr12-53722378-G-A.
Other names: c.794C>T, p.Ala265Val (NM_001300837.2); c.848C>T, p.Ala283Val (NM_152860.2); short protein forms A265V, A283V.
Identifiers: ClinVar variation 1468870 (VCV001468870.4), dbSNP rs2136834379, ClinGen allele CA385052321.
Genomic context (GRCh38, chr12:53,328,594, plus strand): 5'-TTGCCGCAGCCAGGGATGTGGCAGCTGTGGATGGGCTTCTTCCGCAGCCCAGCCGCTGCT[G>A]CTCCCAGCCGCTCTAGCTCCTGGCAATTAGGGCAGTCGCAGGAGGAGCGCCCTGCCCCAC-3'
Protein context (NP_001166938.1, residues 273-293): PNCQELERLG[Ala283Val]AAAGLRKKPI

ClinVar aggregate classification (germline): Uncertain significance (1 of 4 stars; one submission).

gnomAD v4.1: 5 of 1,609,136 alleles (0.00031%); highest among the groups gnomAD compares: Non-Finnish European, 0.00042%; no homozygotes.

Submission:

Labcorp Genetics (formerly Invitae), Labcorp
Classification: Uncertain significance. Last evaluated: 2021-12-05. Review status: criteria provided, single submitter. Criteria: Invitae Variant Classification Sherloc (09022015). Collection method: clinical testing. Allele origin: germline.
Comment: This variant has not been reported in the literature in individuals affected with SP7-related conditions. In summary, the available evidence is currently insufficient to determine the role of this variant in disease. Therefore, it has been classified as a Variant of Uncertain Significance. Algorithms developed to predict the effect of missense changes on protein structure and function (SIFT, PolyPhen-2, Align-GVGD) all suggest that this variant is likely to be tolerated. This variant is not present in population databases (gnomAD no frequency). This sequence change replaces alanine, which is neutral and non-polar, with valine, which is neutral and non-polar, at codon 283 of the SP7 protein (p.Ala283Val).